The following is an entry in ClinVar:

ClinVar aggregate classification (germline): Pathogenic/Likely pathogenic. Review status: criteria provided, multiple submitters, no conflicts (2 of 4 stars). 2 submissions from 2 submitters: Pathogenic (1); Likely pathogenic (1). Last evaluated 2025-01-24.

Conditions:
Hypotonia, infantile, with psychomotor retardation and characteristic facies 1 (INNFD). Identifiers: Orphanet 371364, Orphanet 700336, MedGen C3809454, MONDO:0024567, OMIM 615419.
NALCN-related disorder. Also called: NALCN-related disorders; NALCN-related condition.

Submissions (2):

3billion
Classification: Pathogenic for Hypotonia, infantile, with psychomotor retardation and characteristic facies 1. Last evaluated: 2025-01-24. Review status: criteria provided, single submitter. Criteria: ACMG Guidelines, 2015. Collection method: clinical testing. Allele origin: germline. Affected: yes.
Comment: The variant is not observed in the gnomAD v4.1.0 dataset. Predicted Consequence/Location: Canonical splice site: predicted to alter splicing and result in a loss or disruption of normal protein function. Multiple pathogenic loss-of-function variants are reported downstream of the variant. The variant has been reported to be associated with NALCN-related disorder (ClinVar ID: VCV001705481 /3billion dataset). Therefore, this variant is classified as Pathogenic according to the recommendation of ACMG/AMP guideline.

Blueprint Genetics
Classification: Likely pathogenic for NALCN-related disorders. Last evaluated: 2020-04-29. Review status: criteria provided, single submitter. Criteria: ACMG Guidelines, 2015. Collection method: clinical testing. Allele origin: germline. Affected: yes. Observed: 1 variant allele.

NM_052867.4(NALCN):c.4447-2del

Gene: NALCN (sodium leak channel, non-selective; minus strand). Cytogenetic location: 13q32.3.
Variant type: Deletion.
Coding change: c.4447-2del on transcript NM_052867.4 (MANE Select); the canonical splice acceptor site of the intron before coding-DNA position 4447, one base deleted (A; older notation c.4447-2delA).
Molecular consequence: splice acceptor variant.
Genome position (GRCh38, 1-based): chr13:101,065,563, T deleted on the plus strand (A on the coding strand, the reverse complement: NALCN is on the minus strand). VCF-style (leftmost placement, unchanged base first): chr13-101065562-CT-C. GRCh37 (hg19) VCF-style: chr13-101717914-CT-C.
Other names: c.4360-2del (NM_001350751.2, NM_001350750.2); c.4447-2del (NM_001350749.2); c.4534-2del (NM_001350748.2).
Identifiers: ClinVar variation 1705481 (VCV001705481.3), dbSNP rs2501833379, ClinGen allele CA2580087015.